The following is an entry in ClinVar:

NM_001164462.2(MUC12):c.15693C>T (p.Ile5231=)

Gene: MUC12 (mucin 12, cell surface associated; plus strand). Cytogenetic location: 7q22.1.
Variant type: single nucleotide variant.
Coding change: c.15693C>T on transcript NM_001164462.2 (MANE Select); coding-DNA position 15693, C replaced by T.
Protein change: p.Ile5231=; no amino-acid change (isoleucine 5231 retained).
Molecular consequence: synonymous variant.
Genome position (GRCh38, 1-based): chr7:101,013,967, C>T. VCF-style: chr7-101013967-C-T. GRCh37 (hg19) VCF-style: chr7-100657248-C-T.
Identifiers: ClinVar variation 3904911 (VCV003904911.10).
Genomic context (GRCh38, chr7:101,013,967, plus strand): 5'-CCCCAGGTGCCCAAATACGAACACACACTGGTACTGGGGAGAGACCTGTGAATTCAACAT[C>T]GCCAAGAGCCTCGTGTATGGGATCGTGGGGGCTGTGATGGCGGTGCTGCTGCTCGCATTG-3'
Protein context (NP_001157934.1, residues 5221-5241): WYWGETCEFN[Ile5231=]AKSLVYGIVG

ClinVar aggregate classification (germline): Likely benign (1 of 4 stars; one submission).

gnomAD v4.1: 8,700 of 1,536,470 alleles (0.57%); highest among the groups gnomAD compares: Non-Finnish European, 0.64%; 26 homozygotes.

Submission:

CeGaT Center for Human Genetics Tuebingen
Classification: Likely benign. Last evaluated: 2025-10-01. Review status: criteria provided, single submitter. Criteria: CeGaT Center For Human Genetics Tuebingen Variant Classification Criteria Version 2. Collection method: clinical testing. Allele origin: germline. Affected: yes. Observed: 3 variant alleles.
Comment: MUC12: BP4, BP7, BS2